The following is an entry in ClinVar:

ClinVar aggregate classification (germline): Uncertain significance (1 of 4 stars; one submission).

Conditions:
Hereditary cancer-predisposing syndrome. Also called: Neoplastic Syndromes, Hereditary; Tumor predisposition; Hereditary neoplastic syndrome; Hereditary Cancer Syndrome. Identifiers: Orphanet 140162, MedGen C0027672, MeSH D009386, MONDO:0015356.

Submission:

Ambry Genetics
Classification: Uncertain significance for Hereditary cancer-predisposing syndrome. Last evaluated: 2026-08-04. Review status: criteria provided, single submitter. Criteria: Ambry Variant Classification Scheme 2023. Collection method: clinical testing. Allele origin: germline.
Comment: The p.F739L variant (also known as c.2217C>G), located in coding exon 22 of the RB1 gene, results from a C to G substitution at nucleotide position 2217. The phenylalanine at codon 739 is replaced by leucine, an amino acid with highly similar properties. This amino acid position is highly conserved in available vertebrate species. In addition, this alteration is predicted to be deleterious by in silico analysis. Based on the available evidence, the clinical significance of this variant remains unclear.

NM_000321.3(RB1):c.2217C>G (p.Phe739Leu)

Gene: RB1 (RB transcriptional corepressor 1; plus strand). Cytogenetic location: 13q14.2.
Variant type: single nucleotide variant.
Coding change: c.2217C>G on transcript NM_000321.3 (MANE Select); coding-DNA position 2217, C replaced by G.
Protein change: p.Phe739Leu; replaces phenylalanine 739 with leucine.
Molecular consequence: missense variant.
Genome position (GRCh38, 1-based): chr13:48,465,003, C>G. VCF-style: chr13-48465003-C-G. GRCh37 (hg19) VCF-style: chr13-49039139-C-G.
Other names: c.2217C>G, p.Phe739Leu (NM_001407165.1); short protein forms F739L.
Identifiers: ClinVar variation 5027911 (VCV005027911.1).
Genomic context (GRCh38, chr13:48,465,003, plus strand): 5'-AACAAGTAAATTTTACTTTTTTTTTTTTTTTTTTTTTTTTACTGTTCTTCCTCAGACATT[C>G]AAACGTGTTTTGATCAAAGAAGAGGAGTATGATTCTATTATAGTATTCTATAACTCGGTC-3'
Protein context (NP_000312.2, residues 729-749): KDLPHAVQET[Phe739Leu]KRVLIKEEEY